The following is an entry in ClinVar:

NM_001001557.4(GDF6):c.1145A>T (p.His382Leu)

Gene: GDF6 (growth differentiation factor 6; minus strand). Cytogenetic location: 8q22.1.
Variant type: single nucleotide variant.
Coding change: c.1145A>T on transcript NM_001001557.4 (MANE Select); coding-DNA position 1145, A replaced by T.
Protein change: p.His382Leu; replaces histidine 382 with leucine.
Molecular consequence: missense variant.
Genome position (GRCh38, 1-based): chr8:96,144,786, T>A on the plus strand (A>T on the coding strand, the complement: GDF6 is on the minus strand). VCF-style: chr8-96144786-T-A. GRCh37 (hg19) VCF-style: chr8-97157014-T-A.
Other names: short protein forms H382L.
Identifiers: ClinVar variation 2923181 (VCV002923181.3), dbSNP rs755472115, ClinGen allele CA4815361.

ClinVar aggregate classification (germline): Uncertain significance (1 of 4 stars; one submission).

Conditions:
Klippel-Feil syndrome 1, autosomal dominant (KFS1). Also called: CERVICAL VERTEBRAL FUSION, AUTOSOMAL DOMINANT. Identifiers: Orphanet 2345, MedGen C1861689, MONDO:0007306, OMIM 118100.
Leber congenital amaurosis 17 (LCA17). Identifiers: Orphanet 65, MedGen C3715164, MONDO:0014145, OMIM 615360.
Isolated microphthalmia 4. Identifiers: Orphanet 2542, MedGen C2751307, MONDO:0013130, OMIM 613094.
Microphthalmia, isolated, with coloboma 6 (MCOPCB6). Also called: MICROPHTHALMIA/COLOBOMA 6; Microphthalmia with coloboma 6, digenic; Microphthalmia with coloboma 6. Identifiers: Orphanet 98938, MedGen C3150968, MONDO:0013376, OMIM 613703.

Allele frequency attached by ClinVar (database versions not stated): gnomAD 0.00001; gnomAD exomes 0.00003; ExAC 0.00001.
gnomAD v4.1: 44 of 1,613,968 alleles (0.0027%); highest among the groups gnomAD compares: Non-Finnish European, 0.0036%; no homozygotes.

Submission:

Labcorp Genetics (formerly Invitae), Labcorp
Classification: Uncertain significance for Isolated microphthalmia 4; Leber congenital amaurosis 17; Klippel-Feil syndrome 1, autosomal dominant; Microphthalmia, isolated, with coloboma 6. Last evaluated: 2025-12-11. Review status: criteria provided, single submitter. Criteria: Invitae Variant Classification Sherloc (09022015). Collection method: clinical testing. Allele origin: germline.
Comment: This sequence change replaces histidine, which is basic and polar, with leucine, which is neutral and non-polar, at codon 382 of the GDF6 protein (p.His382Leu). This variant is present in population databases (rs755472115, gnomAD 0.002%). This variant has not been reported in the literature in individuals affected with GDF6-related conditions. ClinVar contains an entry for this variant (Variation ID: 2923181). Invitae Evidence Modeling of protein sequence and biophysical properties (such as structural, functional, and spatial information, amino acid conservation, physicochemical variation, residue mobility, and thermodynamic stability) indicates that this missense variant is expected to disrupt GDF6 protein function with a positive predictive value of 80%. In summary, the available evidence is currently insufficient to determine the role of this variant in disease. Therefore, it has been classified as a Variant of Uncertain Significance.